The following is an entry in ClinVar:

ClinVar aggregate classification (germline): Pathogenic (1 of 4 stars; one submission).

Conditions:
Fetal akinesia deformation sequence 1 (FADS1). Also called: Pena-Shokeir syndrome type I; Fetal akinesia sequence. Identifiers: Orphanet 994, MedGen C1276035, MONDO:0100101, OMIM 208150, HP:0001989.
Congenital myasthenic syndrome 9. Also called: Myasthenic syndrome, congenital, 9, associated with acetylcholine receptor deficiency. Identifiers: Orphanet 590, MedGen C4225368, MONDO:0014587, OMIM 616325.

Allele frequency attached by ClinVar (database versions not stated): gnomAD exomes below 0.00001.
gnomAD v4.1: 1 of 1,613,924 alleles (0.000062%); highest among the groups gnomAD compares: East Asian, 0.0022%; no homozygotes.

Submission:

Labcorp Genetics (formerly Invitae), Labcorp
Classification: Pathogenic for Congenital myasthenic syndrome 9; Fetal akinesia deformation sequence 1. Last evaluated: 2023-10-19. Review status: criteria provided, single submitter. Criteria: Invitae Variant Classification Sherloc (09022015). Collection method: clinical testing. Allele origin: germline.
Comment: This sequence change creates a premature translational stop signal (p.Gln708*) in the MUSK gene. While this is not anticipated to result in nonsense mediated decay, it is expected to disrupt the last 162 amino acid(s) of the MUSK protein. This variant is not present in population databases (gnomAD no frequency). This variant has not been reported in the literature in individuals affected with MUSK-related conditions. Algorithms developed to predict the effect of sequence changes on RNA splicing suggest that this variant may create or strengthen a splice site. This variant disrupts a region of the MUSK protein in which other variant(s) (p.Leu821Phe) have been determined to be pathogenic (Invitae). This suggests that this is a clinically significant region of the protein, and that variants that disrupt it are likely to be disease-causing. For these reasons, this variant has been classified as Pathogenic.

NM_005592.4(MUSK):c.2122C>T (p.Gln708Ter)

Gene: MUSK (muscle associated receptor tyrosine kinase; plus strand). Cytogenetic location: 9q31.3.
Variant type: single nucleotide variant.
Coding change: c.2122C>T on transcript NM_005592.4 (MANE Select); coding-DNA position 2122, C replaced by T.
Protein change: p.Gln708Ter; replaces glutamine 708 with a stop codon.
Molecular consequence: nonsense.
Genome position (GRCh38, 1-based): chr9:110,800,500, C>T. VCF-style: chr9-110800500-C-T. GRCh37 (hg19) VCF-style: chr9-113562780-C-T.
Other names: c.1864C>T, p.Gln622Ter (NM_001166280.2); c.1834C>T, p.Gln612Ter (NM_001166281.2); c.862C>T, p.Gln288Ter (NM_001369398.1); short protein forms Q288*, Q708*, Q622*, Q612*.
Identifiers: ClinVar variation 2953074 (VCV002953074.3), dbSNP rs2491210783, ClinGen allele CA374478162.